The following is an entry in ClinVar:

NM_024426.6(WT1):c.341C>T (p.Ala114Val)

Genes: WT1 (WT1 transcription factor; minus strand), LOC107982234 (WT1/WT1-AS bi-directional promoter region; plus strand). Cytogenetic location: 11p13.
Variant type: single nucleotide variant.
Coding change: c.341C>T on transcript NM_024426.6 (MANE Select); coding-DNA position 341, C replaced by T.
Protein change: p.Ala114Val; replaces alanine 114 with valine.
Molecular consequence: missense variant. On other transcripts: non-coding transcript variant (1).
Genome position (GRCh38, 1-based): chr11:32,435,020, G>A on the plus strand (C>T on the coding strand, the complement: WT1 is on the minus strand). VCF-style: chr11-32435020-G-A. GRCh37 (hg19) VCF-style: chr11-32456566-G-A.
Other names: c.341C>T, p.Ala114Val (NM_000378.6, NM_024424.5); short protein forms A114V.
Identifiers: ClinVar variation 522546 (VCV000522546.9), dbSNP rs1311557029, ClinGen allele CA379965888.

ClinVar aggregate classification (germline): Uncertain significance. Review status: criteria provided, single submitter (1 of 4 stars). 2 submissions from 2 submitters: Uncertain significance (1). 1 of the submissions does not count toward it. Last evaluated 2024-05-22.

Conditions:
Wilms tumor 1 (WT1). Also called: Wilms tumor, somatic. Identifiers: Orphanet 654, MedGen CN033288, MONDO:0008679, OMIM 194070.
11p partial monosomy syndrome (WAGR). Also called: WAGR Spectrum Disorder; CHROMOSOME 11p13 DELETION SYNDROME; WAGR syndrome; WAGR Complex. Identifiers: Orphanet 893, MedGen C0206115, MONDO:0008681, OMIM 194072.
Frasier syndrome. Identifiers: Orphanet 347, MedGen C0950122, MeSH D052159, MONDO:0007635, OMIM 136680.
Drash syndrome (DDS). Also called: WILMS TUMOR AND PSEUDO- OR TRUE HERMAPHRODITISM; NEPHROPATHY, WILMS TUMOR, AND GENITAL ANOMALIES. Identifiers: Orphanet 220, MedGen C0950121, MONDO:0008682, OMIM 194080.
Nephrotic syndrome, type 4 (NPHS4). Also called: Familial mesangial sclerosis; Nephrotic syndrome, early onset with diffuse mesangial sclerosis. Identifiers: Orphanet 656, MedGen C3151568, MONDO:0009733, OMIM 256370.

Submissions (2):

Labcorp Genetics (formerly Invitae), Labcorp
Classification: Uncertain significance for Wilms tumor 1; Drash syndrome; 11p partial monosomy syndrome; Frasier syndrome. Last evaluated: 2024-05-22. Review status: criteria provided, single submitter. Criteria: Invitae Variant Classification Sherloc (09022015). Collection method: clinical testing. Allele origin: germline.
Comment: This sequence change replaces alanine, which is neutral and non-polar, with valine, which is neutral and non-polar, at codon 109 of the WT1 protein (p.Ala109Val). This variant is not present in population databases (gnomAD no frequency). This variant has not been reported in the literature in individuals affected with WT1-related conditions. ClinVar contains an entry for this variant (Variation ID: 522546). Advanced modeling of protein sequence and biophysical properties (such as structural, functional, and spatial information, amino acid conservation, physicochemical variation, residue mobility, and thermodynamic stability) performed at Invitae indicates that this missense variant is not expected to disrupt WT1 protein function with a negative predictive value of 95%. In summary, the available evidence is currently insufficient to determine the role of this variant in disease. Therefore, it has been classified as a Variant of Uncertain Significance.

Bioscientia Institut fuer Medizinische Diagnostik GmbH, Sonic Healthcare
Classification: Uncertain significance for Nephrotic syndrome, type 4. Last evaluated: 2017-11-30. Review status: no assertion criteria provided. Collection method: clinical testing. Allele origin: germline. Affected: yes. Not counted in ClinVar's aggregate classification.